The following is an entry in ClinVar:

NM_005633.4(SOS1):c.225A>G (p.Gln75=)

Gene: SOS1 (SOS Ras/Rac guanine nucleotide exchange factor 1; minus strand). Cytogenetic location: 2p22.1.
Variant type: single nucleotide variant.
Coding change: c.225A>G on transcript NM_005633.4 (MANE Select); coding-DNA position 225, A replaced by G.
Protein change: p.Gln75=; no amino-acid change (glutamine 75 retained).
Molecular consequence: synonymous variant.
Genome position (GRCh38, 1-based): chr2:39,058,793, T>C on the plus strand (A>G on the coding strand, the complement: SOS1 is on the minus strand). VCF-style: chr2-39058793-T-C. GRCh37 (hg19) VCF-style: chr2-39285934-T-C.
Other names: NM_005633.3(SOS1):c.225A>G; c.204A>G, p.Gln68= (NM_001382394.1); c.225A>G, p.Gln75= (NM_001382395.1).
Identifiers: ClinVar variation 448946 (VCV000448946.24), dbSNP rs560037748, ClinGen allele CA1624827.

ClinVar aggregate classification (germline): Likely benign. Review status: reviewed by expert panel (3 of 4 stars). 9 submissions from 8 submitters: Likely benign (1). 8 of the submissions do not count toward it. Last evaluated 2017-04-18.

Conditions:
SOS1-related disorder. Also called: SOS1-related condition.
Cardiovascular phenotype. Identifiers: MedGen CN230736.
RASopathy. Also called: rasopathies; Noonan spectrum disorder. Identifiers: Orphanet 536391, MedGen C5555857, MONDO:0021060.
Fibromatosis, gingival, 1 (GINGF1). Identifiers: Orphanet 2024, MedGen C4551558, MONDO:0007609, OMIM 135300.
Noonan syndrome 4 (NS4). Also called: SOS1-Related Noonan Syndrome; NOONAN SYNDROME WITH PIGMENTED VILLONODULAR SYNOVITIS. Identifiers: Orphanet 648, MedGen C1853120, MONDO:0012547, OMIM 610733.

Allele frequency attached by ClinVar (database versions not stated): gnomAD below 0.00001 and 0.00006; TOPMed 0.00002; gnomAD exomes 0.00011; ExAC 0.00014; 1000 Genomes Project 30x 0.00078; 1000 Genomes Project 0.00080.
gnomAD v4.1: 92 of 1,612,096 alleles (0.0057%); highest among the groups gnomAD compares: South Asian, 0.089%; no homozygotes.

Submissions (9):

ClinGen RASopathy Variant Curation Expert Panel
Classification: Likely benign for Noonan syndrome and Noonan-related syndrome. Last evaluated: 2017-04-18. Review status: reviewed by expert panel. Criteria: ClinGen RASopathy ACMG Specifications v1. Collection method: curation. Allele origin: germline. Inheritance: Autosomal dominant inheritance.
Comment: The filtering allele frequency of the c.225A>G (p.Gln75=) variant in the SOS1 gene is 0.042% (12/16448) of South Asian chromosomes by the Exome Aggregation Consortium, which is a high enough frequency to be classified as likely benign based on thresholds defined by the ClinGen RASopathy Expert Panel (BS1; PMID:29493581)

PreventionGenetics, part of Exact Sciences
Classification: Likely benign for SOS1-related condition. Last evaluated: 2026-03-11. Review status: criteria provided, single submitter. Criteria: ACMG Guidelines, 2015. Collection method: clinical testing. Allele origin: germline. Not counted in ClinVar's aggregate classification.
Comment: This variant is classified as likely benign based on ACMG/AMP sequence variant interpretation guidelines (Richards et al. 2015 PMID: 25741868, with internal and published modifications).

Labcorp Genetics (formerly Invitae), Labcorp
Classification: Likely benign for RASopathy. Last evaluated: 2026-02-01. Review status: criteria provided, single submitter. Criteria: Invitae Variant Classification Sherloc (09022015). Collection method: clinical testing. Allele origin: germline. Not counted in ClinVar's aggregate classification.

Blueprint Genetics
Classification: Likely benign. Last evaluated: 2024-02-07. Review status: criteria provided, single submitter. Criteria: ACMG Guidelines, 2015. Collection method: clinical testing. Allele origin: germline. Not counted in ClinVar's aggregate classification.

ARUP Laboratories, Molecular Genetics and Genomics, ARUP Laboratories
Classification: Likely benign. Last evaluated: 2021-04-26. Review status: criteria provided, single submitter. Criteria: ARUP Molecular Germline Variant Investigation Process 2021. Collection method: clinical testing. Allele origin: germline. Not counted in ClinVar's aggregate classification.

GeneDx
Classification: Benign. Last evaluated: 2020-07-21. Review status: criteria provided, single submitter. Criteria: GeneDx Variant Classification Process June 2021. Collection method: clinical testing. Allele origin: germline. Affected: yes. Not counted in ClinVar's aggregate classification.

Ambry Genetics
Classification: Likely benign for Cardiovascular phenotype. Last evaluated: 2020-05-03. Review status: criteria provided, single submitter. Criteria: Ambry Variant Classification Scheme 2023. Collection method: clinical testing. Allele origin: germline. Not counted in ClinVar's aggregate classification.

Illumina Laboratory Services, Illumina
Classification: Uncertain significance for Noonan syndrome 4. Last evaluated: 2018-01-13. Review status: criteria provided, single submitter. Criteria: ICSL Variant Classification Criteria 13 December 2019. Collection method: clinical testing. Allele origin: germline. Not counted in ClinVar's aggregate classification.

Illumina Laboratory Services, Illumina
Classification: Benign for Fibromatosis, gingival, 1. Last evaluated: 2018-01-13. Review status: criteria provided, single submitter. Criteria: ICSL Variant Classification Criteria 13 December 2019. Collection method: clinical testing. Allele origin: germline. Not counted in ClinVar's aggregate classification.
Comment: This variant was observed in the ICSL laboratory as part of a predisposition screen in an ostensibly healthy population. It had not been previously curated by ICSL or reported in the Human Gene Mutation Database (HGMD: prior to June 1st, 2018), and was therefore a candidate for classification through an automated scoring system. Utilizing variant allele frequency, disease prevalence and penetrance estimates, and inheritance mode, an automated score was calculated to assess if this variant is too frequent to cause the disease. Based on the score and internal cut-off values, a variant classified as benign is not then subjected to further curation. The score for this variant resulted in a classification of benign for this disease.